The following is an entry in ClinVar:

NM_001330195.2(NRXN3):c.4094-248_4094-245dup

Gene: NRXN3 (neurexin 3; plus strand). Cytogenetic location: 14q31.1.
Variant type: Duplication.
Coding change: c.4094-248_4094-245dup on transcript NM_001330195.2 (MANE Select); 248 bases into the intron before coding-DNA position 4094 through 245 bases into the intron before coding-DNA position 4094, 4 bases duplicated (TGCT; older notation c.4094-248_4094-245dupTGCT).
Molecular consequence: intron variant. On other transcripts: frameshift variant (1), non-coding transcript variant (5).
Genome position (GRCh38, 1-based): chr14:79,861,094-79,861,097, TGCT duplicated; duplicating any 4 consecutive bases within chr14:79,861,093-79,861,097 gives the same sequence; the c. name uses the placement nearest the transcript's 3' end. VCF-style (leftmost placement, unchanged base first): chr14-79861092-A-ATTGC. GRCh37 (hg19) VCF-style: chr14-80327435-A-ATTGC.
Other names: c.1044_1047dup, p.Thr350fs (NM_001272020.2); c.4106-569_4106-566dup (NM_001366426.1); c.4004-248_4004-245dup (NM_001366425.1); c.2885-569_2885-566dup (NM_004796.6); c.1079-569_1079-566dup (NM_001105250.3); c.998-569_998-566dup (NM_138970.5); short protein forms T350fs.
Identifiers: ClinVar variation 4985620 (VCV004985620.1).

ClinVar aggregate classification (germline): Uncertain significance (1 of 4 stars; one submission).

Conditions:
NRXN3-related disorder. Also called: NRXN3-related condition.

Submission:

PreventionGenetics, part of Exact Sciences
Classification: Uncertain significance for NRXN3-related condition. Last evaluated: 2025-04-28. Review status: criteria provided, single submitter. Criteria: ACMG Guidelines, 2015. Collection method: clinical testing. Allele origin: germline.
Comment: The NRXN3 c.1044_1047dupTGCT variant is predicted to result in a frameshift and premature protein termination (p.Thr350Cysfs*21). To our knowledge, this variant has not been reported in the literature or in a large population database (gnomAD), indicating this variant is rare. At this time, the clinical significance of this variant is uncertain due to the absence of conclusive functional and genetic evidence.